The following is an entry in ClinVar:

ClinVar aggregate classification (germline): Uncertain significance (1 of 4 stars; one submission).

Conditions:
Hereditary spastic paraplegia 11. Also called: Nakamura Osame syndrome; Autosomal recessive hereditary spastic paraplegia, mental impairment, and thin corpus callosum; Spastic paraplegia, mental retardation and thin corpus callosum; SPASTIC PARAPLEGIA, AUTOSOMAL RECESSIVE, COMPLICATED, WITH THIN CORPUS CALLOSUM; SPASTIC PARAPLEGIA, AUTOSOMAL RECESSIVE, WITH MENTAL IMPAIRMENT AND THIN CORPUS CALLOSUM; Spastic Paraplegia 11. Identifiers: Orphanet 2822, MedGen C1858479, MONDO:0011445, OMIM 604360.

Allele frequency attached by ClinVar (database versions not stated): gnomAD exomes below 0.00001.

Submission:

Labcorp Genetics (formerly Invitae), Labcorp
Classification: Uncertain significance for Hereditary spastic paraplegia 11. Last evaluated: 2017-08-06. Review status: criteria provided, single submitter. Criteria: Invitae Variant Classification Sherloc (09022015). Collection method: clinical testing. Allele origin: germline.
Comment: In summary, the available evidence is currently insufficient to determine the role of this variant in disease. Therefore, it has been classified as a Variant of Uncertain Significance. Experimental studies and prediction algorithms are not available for this variant, and the functional significance of the deleted amino acid is currently unknown. This variant has not been reported in the literature in individuals with SPG11-related disease. This variant is not present in population databases (ExAC no frequency). This variant, c.1032_1034delATT, results in the deletion of 1 amino acid of the SPG11 protein (p.Leu345del), but otherwise preserves the integrity of the reading frame.

NM_025137.4(SPG11):c.1032_1034del (p.Leu345del)

Gene: SPG11 (SPG11 vesicle trafficking associated, spatacsin; minus strand). Cytogenetic location: 15q21.1.
Variant type: Deletion.
Coding change: c.1032_1034del on transcript NM_025137.4 (MANE Select); coding-DNA positions 1032 to 1034, 3 bases deleted (ATT; older notation c.1032_1034delATT).
Protein change: p.Leu345del; deletes leucine 345.
Molecular consequence: inframe deletion.
Genome position (GRCh38, 1-based): chr15:44,651,913-44,651,915, AAT deleted on the plus strand (ATT on the coding strand, the reverse complement: SPG11 is on the minus strand). VCF-style (leftmost placement, unchanged base first): chr15-44651912-CAAT-C. GRCh37 (hg19) VCF-style: chr15-44944110-CAAT-C.
Other names: c.1032_1034del, p.Leu345del (NM_001160227.2); short protein forms L345del.
Identifiers: ClinVar variation 534833 (VCV000534833.8), dbSNP rs1555381612, ClinGen allele CA658798312.
Genomic context (GRCh38, chr15:44,651,912, plus strand): 5'-ATCCTGGAACCATGGAGCACAACAGGAAACCTCCAGTTTGGAGTTCTTTATTGTTTCATT[CAAT>C]GATGATAGCTGGGCTTTCCAAGACCTGGAAACAAGGTAAAATATAACTTAACACCTGTCA-3'